The following is an entry in ClinVar:

ClinVar aggregate classification (germline): Uncertain significance (1 of 4 stars; one submission).

Submission:

Labcorp Genetics (formerly Invitae), Labcorp
Classification: Uncertain significance. Last evaluated: 2025-11-12. Review status: criteria provided, single submitter. Criteria: Invitae Variant Classification Sherloc (09022015). Collection method: clinical testing. Allele origin: germline.
Comment: This sequence change replaces glutamic acid, which is acidic and polar, with glycine, which is neutral and non-polar, at codon 776 of the SAMD9L protein (p.Glu776Gly). This variant is not present in population databases (gnomAD no frequency). This variant has not been reported in the literature in individuals affected with SAMD9L-related conditions. Invitae Evidence Modeling of protein sequence and biophysical properties (such as structural, functional, and spatial information, amino acid conservation, physicochemical variation, residue mobility, and thermodynamic stability) indicates that this missense variant is not expected to disrupt SAMD9L protein function with a negative predictive value of 80%. In summary, the available evidence is currently insufficient to determine the role of this variant in disease. Therefore, it has been classified as a Variant of Uncertain Significance.

NM_152703.5(SAMD9L):c.2327A>G (p.Glu776Gly)

Gene: SAMD9L (sterile alpha motif domain containing 9 like; minus strand). Cytogenetic location: 7q21.2.
Variant type: single nucleotide variant.
Coding change: c.2327A>G on transcript NM_152703.5 (MANE Select); coding-DNA position 2327, A replaced by G.
Protein change: p.Glu776Gly; replaces glutamic acid 776 with glycine.
Molecular consequence: missense variant.
Genome position (GRCh38, 1-based): chr7:93,133,645, T>C on the plus strand (A>G on the coding strand, the complement: SAMD9L is on the minus strand). VCF-style: chr7-93133645-T-C. GRCh37 (hg19) VCF-style: chr7-92762958-T-C.
Other names: c.2327A>G, p.Glu776Gly (NM_001303496.3, NM_001303497.3, NM_001303498.3 and 5 more transcripts); short protein forms E776G.
Identifiers: ClinVar variation 4743453 (VCV004743453.1).